The following continues an entry in ClinVar:

NM_000059.4(BRCA2):c.8350C>T (p.Arg2784Trp)

Gene: BRCA2. ClinVar aggregate classification (germline): Pathogenic/Likely pathogenic. Pathogenic (5); Likely pathogenic (20).

Submissions 17 to 31 of 31:

ARUP Laboratories, Molecular Genetics and Genomics, ARUP Laboratories
Classification: Likely pathogenic. Last evaluated: 2022-03-10. Review status: criteria provided, single submitter. Criteria: ARUP Molecular Germline Variant Investigation Process 2021. Collection method: clinical testing. Allele origin: germline.
Comment: The BRCA2 c.8350C>T; p.Arg2784Trp variant (rs80359075), also known as 8578C>T, is reported in the literature in several individuals and families affected with breast, ovarian, or lung cancer (Brandao 2011, Donner 2018, Gomez Garcia 2009, Kraus 2017, van der Hout 2006). This variant is also reported in ClinVar (Variation ID: 38155), but is only observed on two alleles in the Genome Aggregation Database, indicating it is not a common polymorphism. The arginine at codon 2784 is highly conserved, and computational analyses predict that this variant is deleterious (REVEL: 0.738). Functional analyses of the variant protein show impaired homology-directed DNA break repair activity (Farrugia 2008, Guidugli 2013, Hart 2019, Mesman 2019). Based on available information, this variant is considered to be likely pathogenic. References: Brandao RD et al. Characterisation of unclassified variants in the BRCA1/2 genes with a putative effect on splicing. Breast Cancer Res Treat. 2011 Oct;129(3):971-82. PMID: 21638052. Donner I et al. Germline mutations in young non-smoking women with lung adenocarcinoma. Lung Cancer. 2018 Aug;122:76-82. PMID: 30032850. Farrugia DJ et al. Functional assays for classification of BRCA2 variants of uncertain significance. Cancer Res. 2008 May 1;68(9):3523-31. PMID: 18451181. Gomez Garcia EB et al. A method to assess the clinical significance of unclassified variants in the BRCA1 and BRCA2 genes based on cancer family history. Breast Cancer Res. 2009;11(1):R8. PMID: 19200354. Guidugli L et al. A classification model for BRCA2 DNA binding domain missense variants based on homology-directed repair activity. Cancer Res. 2013 Jan 1;73(1):265-75. PMID: 23108138. Hart SN et al. Comprehensive annotation of BRCA1 and BRCA2 missense variants by functionally validated sequence-based computational prediction models. Genet Med. 2019 Jan;21(1):71-80. PMID: 29884841. Kraus C et al. Gene panel sequencing in familial breast/ovarian cancer patients identifies multiple novel mutations also in genes others than BRCA1/2. Int J Cancer. 2017 Jan 1;140(1):95-102. PMID: 27616075. Mesman RLS et al. The functional impact of variants of uncertain significance in BRCA2. Genet Med. 2019 Feb;21(2):293-302. PMID: 29988080. van der Hout AH et al. A DGGE system for comprehensive mutation screening of BRCA1 and BRCA2: application in a Dutch cancer clinic setting. Hum Mutat. 2006 Jul;27(7):654-66. PMID: 16683254.

Sema4
Classification: Likely pathogenic for Hereditary cancer-predisposing syndrome. Last evaluated: 2022-02-17. Review status: criteria provided, single submitter. Criteria: Sema4 Curation Guidelines. Collection method: curation. Allele origin: germline.
Comment: The BRCA2 c.8350C>T (p.R2784W) variant has been reported in heterozygosity in multiple individuals with breast, ovarian and lung cancer (PMID: 27616075, 30032850, 16683254, 21638052, 27153395, 31409081, 31843900, 31742824, among others). It has been reported in a large case-control study of breast cancer in 1/60466 cases and 3/53461 controls (PMID: 33471991). It was observed in 1/18392 chromosomes in the East Asian population according to the Genome Aggregation Database (PMID: 32461654). In silico tools suggest the impact of the variant on protein function is deleterious. Functional studies have shown that this variant is non-functional including multiple homology-directed DNA repair assays and a mouse embryonic stem cell complementation assay, but it has not been shown to affect centrosome amplification (PMID: 29394989, 29988080, 18451181, 23108138, 29884841). Based on available evidence, this variant is interpreted as likely pathogenic.

MGZ Medical Genetics Center
Classification: Pathogenic for Breast-ovarian cancer, familial, susceptibility to, 2. Last evaluated: 2022-01-14. Review status: criteria provided, single submitter. Criteria: ACMG Guidelines, 2015. Collection method: clinical testing. Allele origin: germline. Affected: yes. Observed: 1 variant allele.
Comment: ACMG criteria applied: PS3, PS4, PM2_SUP, PP3

Genetics and Molecular Pathology, SA Pathology
Classification: Likely pathogenic for Breast-ovarian cancer, familial, susceptibility to, 2. Last evaluated: 2021-11-26. Review status: criteria provided, single submitter. Criteria: ACMG Guidelines, 2015. Collection method: clinical testing. Allele origin: germline. Inheritance: Autosomal dominant inheritance. Affected: yes.

National Institute of Allergy and Infectious Diseases - Centralized Sequencing Program, National Institutes of Health
Classification: Likely pathogenic for Breast-ovarian cancer, familial, 2. Last evaluated: 2021-08-06. Review status: criteria provided, single submitter. Criteria: ACMG Guidelines, 2015. Collection method: clinical testing. Allele origin: germline. Affected: no.

CHEO Genetics Diagnostic Laboratory, Children's Hospital of Eastern Ontario
Classification: Likely pathogenic for Breast and/or ovarian cancer. Last evaluated: 2021-06-28. Review status: criteria provided, single submitter. Criteria: ACMG Guidelines, 2015. Collection method: clinical testing. Allele origin: germline.

Mendelics
Classification: Likely pathogenic for Breast-ovarian cancer, familial, susceptibility to, 2. Last evaluated: 2019-05-28. Review status: criteria provided, single submitter. Criteria: Mendelics Assertion Criteria 2017. Collection method: clinical testing. Allele origin: unknown.

Cancer Variant Interpretation Group UK, Institute of Cancer Research, London
Classification: Likely pathogenic for Hereditary Breast and Ovarian Cancer. Last evaluated: 2018-10-10. Review status: criteria provided, single submitter. Criteria: ACMG Guidelines, 2015. Collection method: curation. Allele origin: germline.
Comment: Data used in classification: This variant is predicted deleterious on AlignGVGD (class: C65), SIFT (Deleterious), Polyphen2 HumVar (probably damaging) and CADD (20.3) (PP3_sup). The variant is in the DNA-binding domain of BRCA2 (PM1_sup). In the BRCA2 Homology-Directed Repair Activity assay for the DNA Binding Domain (Guidugli et al Cancer Res 2013;73:265-275,Couch Lab), the variant has a probability of pathogenicity of 1.0 (PS3_strong). This variant is classified on ClinVar as likely pathogenic by accredited USA diagnostic laboratory GeneDx, 2017 (PP5_sup). Data not used in classification: The variant was observed in 1 independent UK family undergoing clinical diagnostic BRCA1/BRCA2 testing for HBOC according to diagnostic criteria, the denominator of which dataset of clinical testing was 16,600. Case control comparison against ethnically matched population data (1/16,600 in familial cases against 1/55,836 gnomAD NFE controls) 2-sided Fishers exact: pexact= 0.4. The frequency of this variant is 2/67,272 individuals (remainder of the gnomAD population).

Juno Genomics, Hangzhou Juno Genomics, Inc
Classification: Likely pathogenic for Familial cancer of breast; Breast-ovarian cancer, familial, susceptibility to, 2; Glioma susceptibility 3; Medulloblastoma; Pancreatic cancer, susceptibility to, 2; Familial prostate cancer; Fanconi anemia complementation group D1; Wilms tumor 1. Review status: criteria provided, single submitter. Criteria: ACMG Guidelines, 2015. Collection method: clinical testing. Allele origin: germline.
Comment: Well-established in vitro or in vivo functional studies supportive of a damaging effect on the gene or gene product.;The prevalence of the variant in affected individuals is significantly increased compared to the prevalence in controls.

Zotz-Klimas Genetics Lab, MVZ Zotz Klimas
Classification: Likely pathogenic for Breast-ovarian cancer, familial, susceptibility to, 2. Last evaluated: 2023-11-24. Review status: no assertion criteria provided. Collection method: clinical testing. Allele origin: germline. Affected: yes. Not counted in ClinVar's aggregate classification.

Integrative Tumor Epidemiology Branch, National Institutes of Health
Classification: Uncertain significance for Chordoma. Last evaluated: 2021-03-22. Review status: no assertion criteria provided. Collection method: research. Allele origin: germline. Affected: yes. Observed: 1 variant allele. Not counted in ClinVar's aggregate classification.
Comment: Reduced ES cell viability and drug hypersensitivity (severe impact on BRCA2 function) PMID: 33293522

Institute for Clinical Genetics, University Hospital TU Dresden, University Hospital TU Dresden
Classification: Uncertain significance. Last evaluated: 2021-11-03. Review status: flagged submission. Criteria: ACMG Guidelines, 2015. Collection method: clinical testing. Allele origin: germline. Not counted in ClinVar's aggregate classification.
ClinVar note: Reason: Outlier claim with insufficient supporting evidence

King Laboratory, University of Washington
Classification: Uncertain significance for Hereditary breast and ovarian cancer syndrome; Breast-ovarian cancer, familial 2. Last evaluated: 2019-09-01. Review status: flagged submission. Collection method: research. Allele origin: germline. Affected: yes. Not counted in ClinVar's aggregate classification.
Comment: This variant yielded normal BRCA2 splicing when tested on RNA from a patientâ€™s lymphoblast cell line using cBROCA. cBROCA evaluates changes in splicing due to germline mutations from participants' RNA and does not evaluate changes that alter function at the protein level. This variant might have an effect at the protein level.

Transcript analysis by cBROCA
ClinVar note: Reason: Outlier claim with insufficient supporting evidence

Sharing Clinical Reports Project (SCRP)
Classification: Uncertain significance for Breast-ovarian cancer, familial 2. Last evaluated: 2012-09-25. Review status: flagged submission. Collection method: clinical testing. Allele origin: germline. Not counted in ClinVar's aggregate classification.
ClinVar note: Reason: Outlier claim with insufficient supporting evidence

Breast Cancer Information Core (BIC) (BRCA2)
Classification: Uncertain significance for Breast-ovarian cancer, familial 2. Last evaluated: 2002-05-29. Review status: flagged submission. Collection method: clinical testing. Allele origin: germline. Affected: yes. Observed: 5 variant alleles. Not counted in ClinVar's aggregate classification.
ClinVar note: Reason: Outlier claim with insufficient supporting evidence

Literature cited by the submitters: PubMed 39402389 (cited by Center for Genomic Medicine, Rigshospitalet, Copenhagen University Hospital); PubMed 29988080 (cited by 10 submitters); PubMed 34687993 (cited by Center for Genomic Medicine, Rigshospitalet, Copenhagen University Hospital and Color Diagnostics, LLC DBA Color Health); PubMed 16683254 (cited by 7 submitters); PubMed 27616075 (cited by 7 submitters); PubMed 30032850 (cited by 3 submitters); PubMed 34350294 (cited by 4 submitters); PubMed 21520333 (cited by Labcorp Genetics (formerly Invitae), Labcorp and Color Diagnostics, LLC DBA Color Health); PubMed 33609447 (cited by 6 submitters); PubMed 18451181 (cited by 8 submitters); PubMed 23108138 (cited by 7 submitters); PubMed 29884841 (cited by 5 submitters); PubMed 33293522 (cited by 5 submitters); PubMed 19200354 (cited by 5 submitters); PubMed 19043619 (cited by Women's Health and Genetics/Laboratory Corporation of America, LabCorp and Variantyx, Inc.); PubMed 24323938 (cited by Women's Health and Genetics/Laboratory Corporation of America, LabCorp and Quest Diagnostics Nichols Institute San Juan Capistrano); PubMed 25447315 (cited by Women's Health and Genetics/Laboratory Corporation of America, LabCorp); PubMed 25782689 (cited by Women's Health and Genetics/Laboratory Corporation of America, LabCorp); PubMed 29394989 (cited by 6 submitters); PubMed 30447919 (cited by Women's Health and Genetics/Laboratory Corporation of America, LabCorp); PubMed 31060523 (cited by Women's Health and Genetics/Laboratory Corporation of America, LabCorp); PubMed 31409081 (cited by 4 submitters); PubMed 31742824 (cited by 4 submitters); PubMed 35736817 (cited by 4 submitters); PubMed 36721989 (cited by Women's Health and Genetics/Laboratory Corporation of America, LabCorp and Department of Pathology and Laboratory Medicine, Sinai Health System); PubMed 34970085 (cited by Women's Health and Genetics/Laboratory Corporation of America, LabCorp and Department of Pathology and Laboratory Medicine, Sinai Health System); PubMed 35762214 (cited by 3 submitters); PubMed 21638052 (cited by 5 submitters); PubMed 27153395 (cited by 5 submitters); PubMed 31843900 (cited by 4 submitters); PubMed 31853058 (cited by Color Diagnostics, LLC DBA Color Health); PubMed 32444794 (cited by Color Diagnostics, LLC DBA Color Health); PubMed 37922907 (cited by Color Diagnostics, LLC DBA Color Health); PubMed 39779848 (cited by Color Diagnostics, LLC DBA Color Health); PubMed 9200354 (cited by Variantyx, Inc.); PubMed 12228710 (cited by Ambry Genetics); PubMed 33471991 (cited by 3 submitters); PubMed 35665744 (cited by Quest Diagnostics Nichols Institute San Juan Capistrano); PubMed 36627197 (cited by Quest Diagnostics Nichols Institute San Juan Capistrano); PubMed 38153744 (cited by Quest Diagnostics Nichols Institute San Juan Capistrano).